The following is an entry in ClinVar:

NM_000088.4(COL1A1):c.2560-13T>G

Gene: COL1A1 (collagen type I alpha 1 chain; minus strand). Cytogenetic location: 17q21.33.
Variant type: single nucleotide variant.
Coding change: c.2560-13T>G on transcript NM_000088.4 (MANE Select); 13 bases into the intron before coding-DNA position 2560, T replaced by G.
Molecular consequence: intron variant.
Genome position (GRCh38, 1-based): chr17:50,189,925, A>C on the plus strand (T>G on the coding strand, the complement: COL1A1 is on the minus strand). VCF-style: chr17-50189925-A-C. GRCh37 (hg19) VCF-style: chr17-48267286-A-C.
Identifiers: ClinVar variation 4850912 (VCV004850912.1).

ClinVar aggregate classification (germline): VUS-mid (1 of 4 stars; one submission).

Conditions:
Osteogenesis imperfecta with normal sclerae, dominant form (OI4). Also called: OSTEOGENESIS IMPERFECTA WITH NORMAL SCLERAE; Osteogenesis imperfecta type 4; Osteogenesis Imperfecta Type IV; OSTEOGENESIS IMPERFECTA, TYPE IV, WITH DENTINOGENESIS IMPERFECTA; Common Variable Osteogenesis Imperfecta with Normal Sclerae. Identifiers: Orphanet 216820, Orphanet 666, MedGen C0268363, MONDO:0008148, OMIM 166220.

Submission:

Clinical Genetics and Genomics, Karolinska University Hospital
Classification: VUS-mid for Osteogenesis imperfecta with normal sclerae, dominant form. Last evaluated: 2026-04-07. Review status: criteria provided, single submitter. Criteria: ACMG Guidelines, 2015. Collection method: clinical testing. Allele origin: unknown. Affected: yes.
Comment: This variant is not present in population databases (gnomAD no frequency). The c.2560-13T>G variant is predicted to affect splicing, but no follow-up on RNA/cDNA was possible.